The following is an entry in ClinVar:

NM_006231.4(POLE):c.2172G>C (p.Ala724=)

Gene: POLE (DNA polymerase epsilon, catalytic subunit; minus strand). Cytogenetic location: 12q24.33.
Variant type: single nucleotide variant.
Coding change: c.2172G>C on transcript NM_006231.4 (MANE Select); coding-DNA position 2172, G replaced by C.
Protein change: p.Ala724=; no amino-acid change (alanine 724 retained).
Molecular consequence: synonymous variant.
Genome position (GRCh38, 1-based): chr12:132,668,357, C>G on the plus strand (G>C on the coding strand, the complement: POLE is on the minus strand). VCF-style: chr12-132668357-C-G. GRCh37 (hg19) VCF-style: chr12-133244943-C-G.
Identifiers: ClinVar variation 1443579 (VCV001443579.8), dbSNP rs372240734, ClinGen allele CA482722075.

ClinVar aggregate classification (germline): Uncertain significance (1 of 4 stars; one submission).

gnomAD v4.1: 5 of 1,568,268 alleles (0.00032%); highest among the groups gnomAD compares: Non-Finnish European, 0.00043%; no homozygotes.

Submission:

Labcorp Genetics (formerly Invitae), Labcorp
Classification: Uncertain significance. Last evaluated: 2024-07-09. Review status: criteria provided, single submitter. Criteria: Invitae Variant Classification Sherloc (09022015). Collection method: clinical testing. Allele origin: germline.
Comment: This sequence change affects codon 724 of the POLE mRNA. It is a 'silent' change, meaning that it does not change the encoded amino acid sequence of the POLE protein. It affects a nucleotide within the consensus splice site. This variant is not present in population databases (gnomAD no frequency). This variant has not been reported in the literature in individuals affected with POLE-related conditions. ClinVar contains an entry for this variant (Variation ID: 1443579). Algorithms developed to predict the effect of sequence changes on RNA splicing suggest that this variant is not likely to affect RNA splicing. In summary, the available evidence is currently insufficient to determine the role of this variant in disease. Therefore, it has been classified as a Variant of Uncertain Significance.